The following is an entry in ClinVar:

ClinVar aggregate classification (germline): Uncertain significance (1 of 4 stars; one submission).

gnomAD v4.1: 6 of 1,613,698 alleles (0.00037%); highest among the groups gnomAD compares: Non-Finnish European, 0.00051%; no homozygotes.

Submission:

GeneDx
Classification: Uncertain significance. Last evaluated: 2025-02-25. Review status: criteria provided, single submitter. Criteria: GeneDx Variant Classification Process June 2021. Collection method: clinical testing. Allele origin: germline. Affected: yes.
Comment: Not observed at significant frequency in large population cohorts (gnomAD); In silico analysis supports that this missense variant has a deleterious effect on protein structure/function; Has not been previously published as pathogenic or benign to our knowledge

NM_015202.5(KATNIP):c.4322T>C (p.Phe1441Ser)

Gene: KATNIP (katanin interacting protein; plus strand). Cytogenetic location: 16p12.1.
Variant type: single nucleotide variant.
Coding change: c.4322T>C on transcript NM_015202.5 (MANE Select); coding-DNA position 4322, T replaced by C.
Protein change: p.Phe1441Ser; replaces phenylalanine 1441 with serine.
Molecular consequence: missense variant.
Genome position (GRCh38, 1-based): chr16:27,774,957, T>C. VCF-style: chr16-27774957-T-C. GRCh37 (hg19) VCF-style: chr16-27786278-T-C.
Other names: short protein forms F1441S.
Identifiers: ClinVar variation 4076540 (VCV004076540.1).
Genomic context (GRCh38, chr16:27,774,957, plus strand): 5'-GCCCCGAGCACACAGATTTGGGTTATGGCAACTTAGACGTCTCCTCAGATATTGCGGCCT[T>C]CCCCGACAGCGTGAACTCCCTGGAGGGTGTGGGCGGGGACGTCCGCACCCCAGACAAGCT-3'
Protein context (NP_056017.4, residues 1431-1451): IPLSENNIAA[Phe1441Ser]PDSVNSLEGV